The following is an entry in ClinVar:

ClinVar aggregate classification (germline): Pathogenic. Review status: criteria provided, multiple submitters, no conflicts (2 of 4 stars). 7 submissions from 7 submitters: Pathogenic (7). Last evaluated 2026-03-03.

Conditions:
Rare genetic deafness. Identifiers: Orphanet 96210, MedGen C5680250.
Renal tubular acidosis with progressive nerve deafness. Also called: renal tubular acidosis, distal, 2, with progressive sensorineural hearing loss; Distal Renal Tubular Acidosis with Progressive Sensorineural Deafness; RENAL TUBULAR ACIDOSIS, AUTOSOMAL RECESSIVE, WITH PROGRESSIVE NERVE DEAFNESS; RTA WITH PROGRESSIVE NERVE DEAFNESS. Identifiers: MedGen C0403554, MONDO:0009968, OMIM 267300.

Allele frequency attached by ClinVar (database versions not stated): TOPMed below 0.00001; gnomAD 0.00001; gnomAD exomes 0.00001; ExAC 0.00002.
gnomAD v4.1: 12 of 1,614,132 alleles (0.00074%); highest among the groups gnomAD compares: Middle Eastern, 0.016%; no homozygotes.

Submissions (7):

Myriad Genetics, Inc.
Classification: Pathogenic for Renal tubular acidosis with progressive nerve deafness. Last evaluated: 2026-03-03. Review status: criteria provided, single submitter. Criteria: Myriad Autosomal Dominant, Autosomal Recessive and X-Linked Classification Criteria (2023). Collection method: clinical testing. Allele origin: unknown.
Comment: NM_001692.3(ATP6V1B1):c.785+1G>A is a variant in a canonical splice site classified as pathogenic in the context of distal renal tubular acidosis with deafness, ATP6V1B1-related. c.785+1G>A has been observed in cases with relevant disease (PMID: 9916796, 30558562). Relevant functional assessments of this variant are not available in the literature. c.785+1G>A has been observed in referenced population frequency databases. In summary, NM_001692.3(ATP6V1B1):c.785+1G>A is a variant in a canonical splice site in a gene where loss of function is a known mechanism of disease, is predicted to disrupt protein function, and has been observed more frequently in cases with the relevant disease than in healthy populations. Please note: this variant was assessed in the context of healthy population screening.

Natera, Inc.
Classification: Pathogenic for Renal tubular acidosis with progressive nerve deafness. Last evaluated: 2025-09-28. Review status: criteria provided, single submitter. Criteria: Natera Variant Classification Schema (03/2026). Collection method: clinical testing. Allele origin: germline.
Comment: The c.785+1G>A variant in ATP6V1B1 is a canonical splice donor site variant predicted to affect pre-mRNA splicing, which may result in an abnormal transcript and altered protein product. This variant is expected to result in nonsense mediated decay, truncation, or a dysfunctional protein product. This variant is rare in the general population with a frequency below the threshold expected for the associated phenotype(s). This variant has been observed in one or more individuals affected with the associated recessive disease, as either homozygous or compound heterozygous with a second variant (PMID: 28188436). Given the available evidence, this variant is classified as Pathogenic.

Labcorp Genetics (formerly Invitae), Labcorp
Classification: Pathogenic. Last evaluated: 2025-09-04. Review status: criteria provided, single submitter. Criteria: Invitae Variant Classification Sherloc (09022015). Collection method: clinical testing. Allele origin: germline.
Comment: This sequence change affects a donor splice site in intron 8 of the ATP6V1B1 gene. It is expected to disrupt RNA splicing. Variants that disrupt the donor or acceptor splice site typically lead to a loss of protein function (PMID: 16199547), and loss-of-function variants in ATP6V1B1 are known to be pathogenic (PMID: 9916796, 18368028). This variant is present in population databases (rs727504746, gnomAD 0.004%). Disruption of this splice site has been observed in individuals with renal tubular acidosis with sensorineural deafness (PMID: 9916796, 30558562). This variant is also known as "intron 8: gt>at". ClinVar contains an entry for this variant (Variation ID: 179259). Algorithms developed to predict the effect of sequence changes on RNA splicing suggest that this variant may disrupt the consensus splice site. For these reasons, this variant has been classified as Pathogenic.

Fulgent Genetics
Classification: Pathogenic for Renal tubular acidosis with progressive nerve deafness. Last evaluated: 2024-01-08. Review status: criteria provided, single submitter. Criteria: ACMG Guidelines, 2015. Collection method: clinical testing. Allele origin: germline.

GeneDx
Classification: Pathogenic. Last evaluated: 2023-07-24. Review status: criteria provided, single submitter. Criteria: GeneDx Variant Classification Process June 2021. Collection method: clinical testing. Allele origin: germline. Affected: yes.
Comment: Reported with a second variant on the opposite allele (in trans) in a patient with distal renal tubular acidosis in published literature (Zhao et al., 2018); Canonical splice site variant predicted to result in a null allele in a gene for which loss of function is a known mechanism of disease; Not observed at significant frequency in large population cohorts (gnomAD); This variant is associated with the following publications: (PMID: 25525159, 34159584, 9916796, 30558562)

Laboratory for Molecular Medicine, Mass General Brigham Personalized Medicine
Classification: Pathogenic for Rare genetic deafness. Last evaluated: 2013-10-11. Review status: criteria provided, single submitter. Criteria: LMM Criteria. Collection method: clinical testing. Allele origin: germline. Inheritance: Autosomal recessive inheritance. Observed: 1 variant allele.
Comment: The 785+1G>A variant in ATP6V1B1 has been reported in one individual with distal renal tubular acidosis and hearing loss who was homozygous for the variant (Kar et 1999), and was not identified in large population studies. This variant occur s in the invariant region (+/- 1/2) of the splice consensus sequence and is pred icted to cause altered splicing leading to an abnormal or absent protein. In sum mary, this variant meets our criteria to be classified as pathogenic.

3billion
Classification: Pathogenic for Renal tubular acidosis with progressive nerve deafness. Review status: criteria provided, single submitter. Criteria: ACMG Guidelines, 2015. Collection method: clinical testing. Allele origin: unknown. Affected: yes. Observed: 1 heterozygote.
Comment: The variant is observed at an extremely low frequency in the gnomAD v2.1.1 dataset (total allele frequency: <0.001%). The variant is predicted to alter splicing and result in a loss or disruption of normal protein function. Multiple pathogenic loss-of-function variants are reported downstream of the variant. The variant has been reported at least twice as pathogenic without evidence for the classification (ClinVar ID: VCV000179259 / PMID: 9916796). Therefore, this variant is classified as Pathogenic according to the recommendation of ACMG/AMP guideline.

Literature cited by the submitters: PubMed 30558562 (cited by Myriad Genetics, Inc. and Labcorp Genetics (formerly Invitae), Labcorp); PubMed 9916796 (cited by 4 submitters); PubMed 28188436 (cited by Natera, Inc.); PubMed 16199547 (cited by Labcorp Genetics (formerly Invitae), Labcorp); PubMed 18368028 (cited by Labcorp Genetics (formerly Invitae), Labcorp).

NM_001692.4(ATP6V1B1):c.785+1G>A

Gene: ATP6V1B1 (ATPase H+ transporting V1 subunit B1; plus strand). Cytogenetic location: 2p13.3.
Variant type: single nucleotide variant.
Coding change: c.785+1G>A on transcript NM_001692.4 (MANE Select); the canonical splice donor site of the intron after coding-DNA position 785, G replaced by A.
Molecular consequence: splice donor variant.
Genome position (GRCh38, 1-based): chr2:70,961,694, G>A. VCF-style: chr2-70961694-G-A. GRCh37 (hg19) VCF-style: chr2-71188824-G-A.
Identifiers: ClinVar variation 179259 (VCV000179259.18), dbSNP rs727504746, ClinGen allele CA184066.